The following is an entry in ClinVar:

ClinVar aggregate classification (germline): Likely pathogenic (1 of 4 stars; one submission).

Conditions:
Mulibrey nanism syndrome. Also called: MUSCLE-LIVER-BRAIN-EYE NANISM; PERHEENTUPA SYNDROME; PERICARDIAL CONSTRICTION AND GROWTH FAILURE. Identifiers: Orphanet 2576, MedGen C0524582, MONDO:0009664, OMIM 253250.

Allele frequency attached by ClinVar (database versions not stated): gnomAD exomes 0.00001.

Submission:

Centre for Mendelian Genomics, University Medical Centre Ljubljana
Classification: Likely pathogenic for Mulibrey nanism syndrome. Last evaluated: 2019-05-13. Review status: criteria provided, single submitter. Criteria: ACMG Guidelines, 2015. Collection method: clinical testing. Allele origin: unknown. Affected: yes.
Comment: This variant was classified as: Likely pathogenic. The following ACMG criteria were applied in classifying this variant: PVS1,PM2.

NM_001005207.5(TRIM37):c.2892-2A>T

Genes: PPM1E (protein phosphatase, Mg2+/Mn2+ dependent 1E; plus strand), TRIM37 (tripartite motif containing 37; minus strand). Cytogenetic location: 17q22.
Variant type: single nucleotide variant.
Coding change: c.2892-2A>T on transcript NM_001005207.5; the canonical splice acceptor site of the intron before coding-DNA position 2892, A replaced by T.
Molecular consequence: splice acceptor variant. On other transcripts: 3 prime UTR variant (1), non-coding transcript variant (1).
Genome position (GRCh38, 1-based): chr17:58,982,923, T>A on the plus strand (A>T on the coding strand, the complement: TRIM37 is on the minus strand). VCF-style: chr17-58982923-T-A. GRCh37 (hg19) VCF-style: chr17-57060284-T-A.
Other names: c.*1892T>A (NM_014906.5); c.2775-2A>T (NM_001320989.3).
Identifiers: ClinVar variation 931109 (VCV000931109.5), dbSNP rs1567903706, ClinGen allele CA400769693.